The following is an entry in ClinVar:

NM_015443.4(KANSL1):c.1625T>A (p.Leu542His)

Gene: KANSL1 (KAT8 regulatory NSL complex subunit 1). Cytogenetic location: 17q21.31.
Variant type: single nucleotide variant.
Coding change: c.1625T>A on transcript NM_015443.4 (MANE Select); coding-DNA position 1625, T replaced by A.
Protein change: p.Leu542His; replaces leucine 542 with histidine.
Molecular consequence: missense variant.
Genome position (GRCh38, 1-based): chr17:46,067,576, A>T on the plus strand (T>A on the coding strand, the complement: KANSL1 is on the minus strand). VCF-style: chr17-46067576-A-T. GRCh37 (hg19) VCF-style: chr17-44144942-A-T.
Other names: p.L542H:CTC>CAC; c.1625T>A, p.Leu542His (NM_001193465.2, NM_001193466.2, NM_001379198.1); short protein forms L542H.
Identifiers: ClinVar variation 205790 (VCV000205790.12), dbSNP rs796052593, ClinGen allele CA315207.

ClinVar aggregate classification (germline): Conflicting classifications of pathogenicity. Review status: criteria provided, conflicting classifications (1 of 4 stars). 3 submissions from 3 submitters: Uncertain significance (1); Likely benign (2). Last evaluated 2025-07-14.

Conditions:
Inborn genetic diseases. Identifiers: MedGen C0950123, MeSH D030342.
Koolen-de Vries syndrome (KDVS). Identifiers: Orphanet 96169, MedGen C1864871, MONDO:0012496, OMIM 610443.

Allele frequency attached by ClinVar (database versions not stated): gnomAD exomes below 0.00001.

Submissions (3):

Ambry Genetics
Classification: Uncertain significance for Inborn genetic diseases. Last evaluated: 2025-07-14. Review status: criteria provided, single submitter. Criteria: Ambry Variant Classification Scheme 2023. Collection method: clinical testing. Allele origin: germline.

Labcorp Genetics (formerly Invitae), Labcorp
Classification: Likely benign for Koolen-de Vries syndrome. Last evaluated: 2023-12-01. Review status: criteria provided, single submitter. Criteria: Invitae Variant Classification Sherloc (09022015). Collection method: clinical testing. Allele origin: germline.

GeneDx
Classification: Likely benign. Last evaluated: 2015-09-27. Review status: criteria provided, single submitter. Criteria: GeneDx Variant Classification (06012015). Collection method: clinical testing. Allele origin: germline. Affected: yes.
Comment: This variant is considered likely benign or benign based on one or more of the following criteria: it is a conservative change, it occurs at a poorly conserved position in the protein, it is predicted to be benign by multiple in silico algorithms, and/or has population frequency not consistent with disease.